The following is an entry in ClinVar:

NM_013382.7(POMT2):c.651C>T (p.Ala217=)

Gene: POMT2 (protein O-mannosyltransferase 2; minus strand). Cytogenetic location: 14q24.3.
Variant type: single nucleotide variant.
Coding change: c.651C>T on transcript NM_013382.7 (MANE Select); coding-DNA position 651, C replaced by T.
Protein change: p.Ala217=; no amino-acid change (alanine 217 retained).
Molecular consequence: synonymous variant.
Genome position (GRCh38, 1-based): chr14:77,302,840, G>A on the plus strand (C>T on the coding strand, the complement: POMT2 is on the minus strand). VCF-style: chr14-77302840-G-A. GRCh37 (hg19) VCF-style: chr14-77769183-G-A.
Identifiers: ClinVar variation 282404 (VCV000282404.40), dbSNP rs147845081, ClinGen allele CA7286136.
Genomic context (GRCh38, chr14:77,302,840, plus strand): 5'-ATTTTGGAGTTGCCACAGCTTCCAACCCTCCCCTCCCGGGGATGGAGTTTCTGACCTGTC[G>A]GCGCAAGAGTTGTACTTGACCATGCTCAGCATGGCAGCCATGATGAAGAACATCAGGATG-3'
Protein context (NP_037514.2, residues 207-227): MLSMVKYNSC[Ala217=]DRPFSAPWWF

ClinVar aggregate classification (germline): Conflicting classifications of pathogenicity. Review status: criteria provided, conflicting classifications (1 of 4 stars). 6 submissions from 6 submitters: Uncertain significance (2); Likely benign (4). Last evaluated 2025-12-21.

Conditions:
Muscular dystrophy-dystroglycanopathy (congenital with brain and eye anomalies), type A2. Also called: WALKER-WARBURG SYNDROME OR MUSCLE-EYE-BRAIN DISEASE, POMT2-RELATED; MUSCULAR DYSTROPHY-DYSTROGLYCANOPATHY (CONGENITAL WITH BRAIN AND EYE ANOMALIES), TYPE A, 2. Identifiers: Orphanet 588, Orphanet 899, MedGen C3150411, MONDO:0013154, OMIM 613150.
Muscular dystrophy-dystroglycanopathy (congenital with impaired intellectual development), type B, 2. Also called: Muscular dystrophy-dystroglycanopathy (congenital with intellectual disability), type B2; MUSCULAR DYSTROPHY, CONGENITAL, POMT2-RELATED. Identifiers: MedGen C3150416, MONDO:0013160, OMIM 613156.
Autosomal recessive limb-girdle muscular dystrophy type 2N. Also called: MUSCULAR DYSTROPHY-DYSTROGLYCANOPATHY, LIMB-GIRDLE, POMT2-RELATED; Muscular dystrophy-dystroglycanopathy (limb-girdle), type C, 2. Identifiers: Orphanet 206559, MedGen C3150418, MONDO:0013162, OMIM 613158.

Allele frequency attached by ClinVar (database versions not stated): 1000 Genomes Project 0.00060; gnomAD exomes 0.00002; ExAC 0.00004; TOPMed below 0.00001; gnomAD 0.00001 and 0.00003; 1000 Genomes Project 30x 0.00047.

Submissions (6):

Labcorp Genetics (formerly Invitae), Labcorp
Classification: Likely benign for Muscular dystrophy-dystroglycanopathy (congenital with impaired intellectual development), type B, 2; Muscular dystrophy-dystroglycanopathy (congenital with brain and eye anomalies), type A2; Autosomal recessive limb-girdle muscular dystrophy type 2N. Last evaluated: 2025-12-21. Review status: criteria provided, single submitter. Criteria: Invitae Variant Classification Sherloc (09022015). Collection method: clinical testing. Allele origin: germline.

CeGaT Center for Human Genetics Tuebingen
Classification: Likely benign. Last evaluated: 2024-08-01. Review status: criteria provided, single submitter. Criteria: CeGaT Center For Human Genetics Tuebingen Variant Classification Criteria Version 2. Collection method: clinical testing. Allele origin: germline. Affected: yes. Observed: 1 variant allele.
Comment: POMT2: BP4, BP7

Blueprint Genetics
Classification: Likely benign. Last evaluated: 2023-03-21. Review status: criteria provided, single submitter. Criteria: ACMG Guidelines, 2015. Collection method: clinical testing. Allele origin: germline.

GeneDx
Classification: Likely benign. Last evaluated: 2020-11-02. Review status: criteria provided, single submitter. Criteria: GeneDx Variant Classification Process June 2021. Collection method: clinical testing. Allele origin: germline. Affected: yes.

Illumina Laboratory Services, Illumina
Classification: Uncertain significance for Autosomal recessive limb-girdle muscular dystrophy type 2N. Last evaluated: 2018-01-13. Review status: criteria provided, single submitter. Criteria: ICSL Variant Classification Criteria 13 December 2019. Collection method: clinical testing. Allele origin: germline.

Eurofins Ntd Llc (ga)
Classification: Uncertain significance. Last evaluated: 2016-07-08. Review status: criteria provided, single submitter. Criteria: EGL Classification Definitions 2015. Collection method: clinical testing. Allele origin: germline. Observed: 2 variant alleles, 1 heterozygote.